The following is an entry in ClinVar:

ClinVar aggregate classification (germline): Pathogenic (1 of 4 stars; one submission).

Conditions:
Hereditary breast ovarian cancer syndrome. Also called: Hereditary breast and ovarian cancer; Breast and ovarian cancer; BRCA1- and BRCA2-Associated Hereditary Breast and Ovarian Cancer; Hereditary breast and/or ovarian cancer syndrome; Hereditary breast and ovarian cancer syndrome; Hereditary breast and ovarian cancer syndrome (HBOC). Identifiers: Orphanet 145, MedGen C0677776, MeSH D061325, MONDO:0003582. Disease mechanism: loss of function.

Submission:

Labcorp Genetics (formerly Invitae), Labcorp
Classification: Pathogenic for Hereditary breast ovarian cancer syndrome. Last evaluated: 2024-02-16. Review status: criteria provided, single submitter. Criteria: Invitae Variant Classification Sherloc (09022015). Collection method: clinical testing. Allele origin: germline.
Comment: This sequence change creates a premature translational stop signal (p.Leu391Glyfs*3) in the BRCA2 gene. It is expected to result in an absent or disrupted protein product. Loss-of-function variants in BRCA2 are known to be pathogenic (PMID: 20104584). This variant is not present in population databases (gnomAD no frequency). This variant has not been reported in the literature in individuals affected with BRCA2-related conditions. ClinVar contains an entry for this variant (Variation ID: 1457347). For these reasons, this variant has been classified as Pathogenic.

Literature cited by the submitters: PubMed 20104584.

NM_000059.4(BRCA2):c.1171_1172del (p.Leu391fs)

Gene: BRCA2 (BRCA2 DNA repair associated; plus strand). Cytogenetic location: 13q13.1.
Variant type: Deletion.
Coding change: c.1171_1172del on transcript NM_000059.4 (MANE Select); coding-DNA positions 1171 to 1172, 2 bases deleted (TT; older notation c.1171_1172delTT).
Protein change: p.Leu391fs; shifts the reading frame from leucine 391.
Molecular consequence: frameshift variant.
Genome position (GRCh38, 1-based): chr13:32,332,649-32,332,650, TT deleted; deleting any 2 consecutive bases within chr13:32,332,648-32,332,650 gives the same sequence; the c. name uses the placement nearest the transcript's 3' end. VCF-style (leftmost placement, unchanged base first): chr13-32332647-CTT-C. GRCh37 (hg19) VCF-style: chr13-32906784-CTT-C.
Other names: short protein forms L391fs.
Identifiers: ClinVar variation 1457347 (VCV001457347.6), dbSNP rs2137468353, ClinGen allele CA2573149347.